The following is an entry in ClinVar:

ClinVar aggregate classification (germline): Uncertain significance (1 of 4 stars; one submission).

Submission:

Ambry Genetics
Classification: Uncertain significance. Last evaluated: 2021-12-12. Review status: criteria provided, single submitter. Criteria: Ambry Variant Classification Scheme 2023. Collection method: clinical testing. Allele origin: germline.
Comment: The p.K529E variant (also known as c.1585A>G), located in coding exon 1 of the MLH3 gene, results from an A to G substitution at nucleotide position 1585. The lysine at codon 529 is replaced by glutamic acid, an amino acid with similar properties. This amino acid position is conserved. In addition, this alteration is predicted to be tolerated by in silico analysis. Since supporting evidence is limited at this time, the clinical significance of this alteration remains unclear.

NM_001040108.2(MLH3):c.1585A>G (p.Lys529Glu)

Gene: MLH3 (mutL homolog 3; minus strand). Cytogenetic location: 14q24.3.
Variant type: single nucleotide variant.
Coding change: c.1585A>G on transcript NM_001040108.2 (MANE Select); coding-DNA position 1585, A replaced by G.
Protein change: p.Lys529Glu; replaces lysine 529 with glutamic acid.
Molecular consequence: missense variant.
Genome position (GRCh38, 1-based): chr14:75,048,071, T>C on the plus strand (A>G on the coding strand, the complement: MLH3 is on the minus strand). VCF-style: chr14-75048071-T-C. GRCh37 (hg19) VCF-style: chr14-75514774-T-C.
Other names: c.1585A>G, p.Lys529Glu (NM_014381.3); short protein forms K529E.
Identifiers: ClinVar variation 1775784 (VCV001775784.2), dbSNP rs1004546185, ClinGen allele CA390444966.